The following is an entry in ClinVar:

NM_133433.4(NIPBL):c.1909G>A (p.Glu637Lys)

Gene: NIPBL (NIPBL cohesin loading factor; plus strand). Cytogenetic location: 5p13.2.
Variant type: single nucleotide variant.
Coding change: c.1909G>A on transcript NM_133433.4 (MANE Select); coding-DNA position 1909, G replaced by A.
Protein change: p.Glu637Lys; replaces glutamic acid 637 with lysine.
Molecular consequence: missense variant.
Genome position (GRCh38, 1-based): chr5:36,985,089, G>A. VCF-style: chr5-36985089-G-A. GRCh37 (hg19) VCF-style: chr5-36985191-G-A.
Other names: c.1909G>A, p.Glu637Lys (NM_015384.5); short protein forms E637K.
Identifiers: ClinVar variation 3602835 (VCV003602835.2).

ClinVar aggregate classification (germline): Uncertain significance. Review status: criteria provided, multiple submitters, no conflicts (2 of 4 stars). 2 submissions from 2 submitters: Uncertain significance (2). Last evaluated 2026-06-15.

Conditions:
Inborn genetic diseases. Identifiers: MedGen C0950123, MeSH D030342.

Submissions (2):

Ambry Genetics
Classification: Uncertain significance for Inborn genetic diseases. Last evaluated: 2026-06-15. Review status: criteria provided, single submitter. Criteria: Ambry Variant Classification Scheme 2023. Collection method: clinical testing. Allele origin: germline.

GeneDx
Classification: Uncertain significance. Last evaluated: 2024-08-06. Review status: criteria provided, single submitter. Criteria: GeneDx Variant Classification Process June 2021. Collection method: clinical testing. Allele origin: germline. Affected: yes.
Comment: Not observed at significant frequency in large population cohorts (gnomAD); In silico analysis indicates that this missense variant does not alter protein structure/function; Has not been previously published as pathogenic or benign to our knowledge